The following is an entry in ClinVar:

ClinVar aggregate classification (germline): Pathogenic/Likely pathogenic. Review status: criteria provided, multiple submitters, no conflicts (2 of 4 stars). 2 submissions from 2 submitters: Pathogenic (1); Likely pathogenic (1). Last evaluated 2024-06-14.

Submissions (2):

GeneDx
Classification: Likely pathogenic. Last evaluated: 2024-06-14. Review status: criteria provided, single submitter. Criteria: GeneDx Variant Classification Process June 2021. Collection method: clinical testing. Allele origin: germline. Affected: yes.
Comment: Identified with two additional variants in the RYR1 gene in a patient with centronuclear myopathy; however, it is not known whether the variants occurred on the same (in cis) or on different (in trans) chromosomes and the patient was not comprehensively screened for variants in other genes associated with centronuclear myopathy (PMID: 20839240); Frameshift variant predicted to result in protein truncation or nonsense mediated decay in a gene for which loss of function is a known mechanism of disease; Not observed at significant frequency in large population cohorts (gnomAD); This variant is associated with the following publications: (PMID: 20839240)

PreventionGenetics, part of Exact Sciences
Classification: Pathogenic. Last evaluated: 2018-03-12. Review status: criteria provided, single submitter. Criteria: ACMG Guidelines, 2015. Collection method: clinical testing. Allele origin: germline.

NM_000540.3(RYR1):c.11320dup (p.Ala3774fs)

Gene: RYR1 (ryanodine receptor 1; plus strand). Cytogenetic location: 19q13.2.
Variant type: Duplication.
Coding change: c.11320dup on transcript NM_000540.3 (MANE Select); coding-DNA position 11320, one base duplicated (G; older notation c.11320dupG).
Protein change: p.Ala3774fs; shifts the reading frame from alanine 3774.
Molecular consequence: frameshift variant.
Genome position (GRCh38, 1-based): chr19:38,534,780, G duplicated; the last of 6 consecutive G bases (chr19:38,534,775-38,534,780); duplicating any one gives the same sequence. VCF-style (leftmost placement, unchanged base first): chr19-38534774-C-CG. GRCh37 (hg19) VCF-style: chr19-39025414-C-CG.
Other names: c.11305dup, p.Ala3769fs (NM_001042723.2); c.11320dupG (NM_000540.2); c.11320dup (NM_000540.2); short protein forms A3774fs, A3769fs.
Identifiers: ClinVar variation 590382 (VCV000590382.4), dbSNP rs768698639, ClinGen allele CA9415928.
Genomic context (GRCh38, chr19:38,534,774, plus strand): 5'-TCCCAGGAGAAACAGATGGAGAAGCAGAGGCTCTTGTACCAGCAAGCACGGCTGCACACC[C>CG]GGGGGGCGGCCGAGATGGTGCTGCAGATGATCAGTGCCTGCAAAGGTGCCCCTCACATGT-3'